The following is an entry in ClinVar:

ClinVar aggregate classification (germline): Benign/Likely benign. Review status: criteria provided, multiple submitters, no conflicts (2 of 4 stars). 2 submissions from 2 submitters: Benign (1); Likely benign (1). Last evaluated 2025-07-30.

Conditions:
EP300-related disorder. Also called: EP300-related condition; EP300-related disorders.
Rubinstein-Taybi syndrome due to EP300 haploinsufficiency. Also called: EP300-Related Rubinstein-Taybi Syndrome; RUBINSTEIN-TAYBI SYNDROME 2. Identifiers: Orphanet 353284, Orphanet 783, MedGen C3150941, MONDO:0013364, OMIM 613684.

Allele frequency attached by ClinVar (database versions not stated): ExAC 0.00006; gnomAD exomes 0.00006; TOPMed 0.00010.
gnomAD v4.1: 225 of 1,613,910 alleles (0.014%); highest among the groups gnomAD compares: Non-Finnish European, 0.018%; no homozygotes.

Submissions (2):

PreventionGenetics, part of Exact Sciences
Classification: Likely benign for EP300-related condition. Last evaluated: 2025-07-30. Review status: criteria provided, single submitter. Criteria: ACMG Guidelines, 2015. Collection method: clinical testing. Allele origin: germline.
Comment: This variant is classified as likely benign based on ACMG/AMP sequence variant interpretation guidelines (Richards et al. 2015 PMID: 25741868, with internal and published modifications).

Labcorp Genetics (formerly Invitae), Labcorp
Classification: Benign for Rubinstein-Taybi syndrome due to EP300 haploinsufficiency. Last evaluated: 2024-05-10. Review status: criteria provided, single submitter. Criteria: Invitae Variant Classification Sherloc (09022015). Collection method: clinical testing. Allele origin: germline.

NM_001429.4(EP300):c.2405C>T (p.Pro802Leu)

Gene: EP300 (EP300 lysine acetyltransferase; plus strand). Cytogenetic location: 22q13.2.
Variant type: single nucleotide variant.
Coding change: c.2405C>T on transcript NM_001429.4 (MANE Select); coding-DNA position 2405, C replaced by T.
Protein change: p.Pro802Leu; replaces proline 802 with leucine.
Molecular consequence: missense variant.
Genome position (GRCh38, 1-based): chr22:41,149,786, C>T. VCF-style: chr22-41149786-C-T. GRCh37 (hg19) VCF-style: chr22-41545790-C-T.
Other names: c.2327C>T, p.Pro776Leu (NM_001362843.2); c.2405C>T (NM_001429.3); short protein forms P776L, P802L.
Identifiers: ClinVar variation 1020521 (VCV001020521.13), dbSNP rs749702423, ClinGen allele CA10252872.